The following is an entry in ClinVar:

NM_001005361.3(DNM2):c.788C>T (p.Pro263Leu)

Gene: DNM2 (dynamin 2; plus strand). Cytogenetic location: 19p13.2.
Variant type: single nucleotide variant.
Coding change: c.788C>T on transcript NM_001005361.3 (MANE Select); coding-DNA position 788, C replaced by T.
Protein change: p.Pro263Leu; replaces proline 263 with leucine.
Molecular consequence: missense variant.
Genome position (GRCh38, 1-based): chr19:10,783,059, C>T. VCF-style: chr19-10783059-C-T. GRCh37 (hg19) VCF-style: chr19-10893735-C-T.
Other names: c.788C>T, p.Pro263Leu (NM_001005360.3, NM_001005362.3, NM_001190716.2 and 1 more transcripts); short protein forms P263L.
Identifiers: ClinVar variation 133979 (VCV000133979.17), dbSNP rs3745674, ClinGen allele CA158297.

ClinVar aggregate classification (germline): Benign. Review status: criteria provided, multiple submitters, no conflicts (2 of 4 stars). 7 submissions from 6 submitters: Benign (6). 1 of the submissions does not count toward it. Last evaluated 2026-01-06.

Conditions:
DNM2-related disorder. Also called: DNM2-related condition.
Charcot-Marie-Tooth disease dominant intermediate B (CMTDIB). Also called: Charcot-Marie-Tooth disease dominant intermediate I; Charcot-Marie-Tooth disease dominant intermediate 1; CMT DI1; CHARCOT-MARIE-TOOTH NEUROPATHY, DOMINANT INTERMEDIATE B. Identifiers: Orphanet 100044, Orphanet 228179, MedGen C1847902, MONDO:0011674, OMIM 606482.
Autosomal dominant centronuclear myopathy. Also called: MYOTUBULAR MYOPATHY, AUTOSOMAL DOMINANT; Myopathy, centronuclear, 3. Identifiers: Orphanet 169189, MedGen C4551952, MeSH D020914, MONDO:0008048, OMIM 160150.

Allele frequency attached by ClinVar (database versions not stated): ESP Exome Variant Server 0.00008; gnomAD 0.00043; TOPMed 0.00146; 1000 Genomes Project 30x 0.00203; 1000 Genomes Project 0.00220.
gnomAD v4.1: 1,166 of 1,613,920 alleles (0.072%); highest among the groups gnomAD compares: East Asian, 2.2%; 10 homozygotes.

Submissions (7):

Labcorp Genetics (formerly Invitae), Labcorp
Classification: Benign for Charcot-Marie-Tooth disease dominant intermediate B. Last evaluated: 2026-01-06. Review status: criteria provided, single submitter. Criteria: Invitae Variant Classification Sherloc (09022015). Collection method: clinical testing. Allele origin: germline.

PreventionGenetics, part of Exact Sciences
Classification: Benign for DNM2-related condition. Last evaluated: 2025-08-19. Review status: criteria provided, single submitter. Criteria: ACMG Guidelines, 2015. Collection method: clinical testing. Allele origin: germline.
Comment: This variant is classified as benign based on ACMG/AMP sequence variant interpretation guidelines (Richards et al. 2015 PMID: 25741868, with internal and published modifications).

Athena Diagnostics
Classification: Benign. Last evaluated: 2023-12-29. Review status: criteria provided, single submitter. Criteria: Athena Diagnostics Criteria. Collection method: clinical testing. Allele origin: unknown.

Illumina Laboratory Services, Illumina
Classification: Benign for Autosomal dominant centronuclear myopathy. Last evaluated: 2018-01-12. Review status: criteria provided, single submitter. Criteria: ICSL Variant Classification Criteria 13 December 2019. Collection method: clinical testing. Allele origin: germline.
Comment: This variant was observed in the ICSL laboratory as part of a predisposition screen in an ostensibly healthy population. It had not been previously curated by ICSL or reported in the Human Gene Mutation Database (HGMD: prior to June 1st, 2018), and was therefore a candidate for classification through an automated scoring system. Utilizing variant allele frequency, disease prevalence and penetrance estimates, and inheritance mode, an automated score was calculated to assess if this variant is too frequent to cause the disease. Based on the score and internal cut-off values, a variant classified as benign is not then subjected to further curation. The score for this variant resulted in a classification of benign for this disease.

Illumina Laboratory Services, Illumina
Classification: Benign for Charcot-Marie-Tooth disease dominant intermediate B. Last evaluated: 2018-01-12. Review status: criteria provided, single submitter. Criteria: ICSL Variant Classification Criteria 13 December 2019. Collection method: clinical testing. Allele origin: germline.
Comment: the same text as in the submission from Illumina Laboratory Services, Illumina above.

GeneDx
Classification: Benign. Last evaluated: 2016-11-18. Review status: criteria provided, single submitter. Criteria: GeneDx Variant Classification (06012015). Collection method: clinical testing. Allele origin: germline. Affected: yes.
Comment: This variant is considered likely benign or benign based on one or more of the following criteria: it is a conservative change, it occurs at a poorly conserved position in the protein, it is predicted to be benign by multiple in silico algorithms, and/or has population frequency not consistent with disease.

ITMI
No classification provided. Condition: AllHighlyPenetrant. Last evaluated: 2013-09-19. Review status: no classification provided. Collection method: reference population. Allele origin: germline. Not counted in ClinVar's aggregate classification.
Comment: Please see associated publication for description of ethnicities

Literature cited by the submitters: PubMed 24728327 (cited by Athena Diagnostics and ITMI).